The following is an entry in ClinVar:

NM_001164508.2(NEB):c.781G>C (p.Asp261His)

Gene: NEB (nebulin; minus strand). Cytogenetic location: 2q23.3.
Variant type: single nucleotide variant.
Coding change: c.781G>C on transcript NM_001164508.2 (MANE Select); coding-DNA position 781, G replaced by C.
Protein change: p.Asp261His; replaces aspartic acid 261 with histidine.
Molecular consequence: missense variant.
Genome position (GRCh38, 1-based): chr2:151,717,457, C>G on the plus strand (G>C on the coding strand, the complement: NEB is on the minus strand). VCF-style: chr2-151717457-C-G. GRCh37 (hg19) VCF-style: chr2-152573971-C-G.
Other names: p.Asp261His; c.781G>C, p.Asp261His (NM_001164507.2, NM_001271208.2, NM_004543.5); short protein forms D261H.
Identifiers: ClinVar variation 681347 (VCV000681347.2), dbSNP rs1167204757, ClinGen allele CA348788839.

ClinVar aggregate classification (germline): Conflicting classifications of pathogenicity. Review status: criteria provided, conflicting classifications (1 of 4 stars). 2 submissions from 2 submitters: Uncertain significance (1); Likely benign (1). Last evaluated 2024-01-19.

Allele frequency attached by ClinVar (database versions not stated): gnomAD exomes 0.00001.

Submissions (2):

Mayo Clinic Laboratories, Mayo Clinic
Classification: Uncertain significance. Last evaluated: 2024-01-19. Review status: criteria provided, single submitter. Criteria: ACMG Guidelines, 2015. Collection method: clinical testing. Allele origin: germline. Observed: 1 variant allele.
Comment: BP4, PM2_moderate

GeneDx
Classification: Likely benign. Last evaluated: 2018-04-11. Review status: criteria provided, single submitter. Criteria: GeneDx Variant Classification (06012015). Collection method: clinical testing. Allele origin: germline. Affected: yes.
Comment: This variant is considered likely benign or benign based on one or more of the following criteria: it is a conservative change, it occurs at a poorly conserved position in the protein, it is predicted to be benign by multiple in silico algorithms, and/or has population frequency not consistent with disease.